The following is an entry in ClinVar:

NM_001244008.2(KIF1A):c.2859-231G>T

Gene: KIF1A (kinesin family member 1A; minus strand). Cytogenetic location: 2q37.3.
Variant type: single nucleotide variant.
Coding change: c.2859-231G>T on transcript NM_001244008.2 (MANE Select); 231 bases into the intron before coding-DNA position 2859, G replaced by T.
Molecular consequence: intron variant.
Genome position (GRCh38, 1-based): chr2:240,750,778, C>A on the plus strand (G>T on the coding strand, the complement: KIF1A is on the minus strand). VCF-style: chr2-240750778-C-A. GRCh37 (hg19) VCF-style: chr2-241690195-C-A.
Other names: c.2556-231G>T (NM_001379653.1, NM_001379650.1, NM_001379640.1 and 6 more transcripts); c.2832-231G>T (NM_001379645.1, NM_001379633.1, NM_001379642.1); c.2658-231G>T (NM_001379635.1, NM_001330290.2, NM_001379646.1 and 1 more transcripts); c.2808-231G>T (NM_001379632.1); c.2631-231G>T (NM_001379637.1, NM_001379648.1); c.2583-231G>T (NM_001320705.2, NM_001379638.1, NM_001330289.2); c.2934-231G>T (NM_001379631.1).
Identifiers: ClinVar variation 672930 (VCV000672930.1), dbSNP rs73102629, ClinGen allele CA11142916.

ClinVar aggregate classification (germline): Benign (1 of 4 stars; one submission).

Allele frequency attached by ClinVar (database versions not stated): 1000 Genomes Project 0.04692; 1000 Genomes Project 30x 0.04934; TOPMed 0.05543.
gnomAD v4.1: 8,242 of 151,948 alleles (5.4%); highest among the groups gnomAD compares: African/African-American, 7.1%; 241 homozygotes.

Submission:

GeneDx
Classification: Benign. Last evaluated: 2018-06-19. Review status: criteria provided, single submitter. Criteria: GeneDx Variant Classification (06012015). Collection method: clinical testing. Allele origin: germline. Affected: yes.
Comment: This variant is considered likely benign or benign based on one or more of the following criteria: it is a conservative change, it occurs at a poorly conserved position in the protein, it is predicted to be benign by multiple in silico algorithms, and/or has population frequency not consistent with disease.